The following is an entry in ClinVar:

NM_170675.5(MEIS2):c.968T>G (p.Val323Gly)

Gene: MEIS2 (Meis homeobox 2; minus strand). Cytogenetic location: 15q14.
Variant type: single nucleotide variant.
Coding change: c.968T>G on transcript NM_170675.5 (MANE Select); coding-DNA position 968, T replaced by G.
Protein change: p.Val323Gly; replaces valine 323 with glycine.
Molecular consequence: missense variant.
Genome position (GRCh38, 1-based): chr15:36,950,333, A>C on the plus strand (T>G on the coding strand, the complement: MEIS2 is on the minus strand). VCF-style: chr15-36950333-A-C. GRCh37 (hg19) VCF-style: chr15-37242534-A-C.
Other names: c.968T>G, p.Val323Gly (NM_001220482.2, NM_170674.5, NM_170676.5 and 1 more transcripts); c.929T>G, p.Val310Gly (NM_002399.4, NM_172315.3); c.704T>G, p.Val235Gly (NM_172316.3); short protein forms V235G, V310G, V323G.
Identifiers: ClinVar variation 1334732 (VCV001334732.4), dbSNP rs2141389703, ClinGen allele CA391927030.

ClinVar aggregate classification (germline): Likely pathogenic (1 of 4 stars; one submission).

Conditions:
Cardiac malformation, cleft lip/palate, microcephaly, and digital anomalies. Also called: CLEFT PALATE, CARDIAC DEFECTS, AND IMPAIRED INTELLECTUAL DEVELOPMENT. Identifiers: MedGen C1832950, MONDO:0010970, OMIM 600987.

Submission:

Greenwood Genetic Center Diagnostic Laboratories, Greenwood Genetic Center
Classification: Likely pathogenic for Cardiac malformation, cleft lip/palate, microcephaly, and digital anomalies. Last evaluated: 2021-04-23. Review status: criteria provided, single submitter. Criteria: ACMG Guidelines, 2015. Collection method: clinical testing. Allele origin: germline. Affected: yes.
Comment: PS2, PP3, PM1, PM2